The following is an entry in ClinVar:

ClinVar aggregate classification (germline): Uncertain significance (1 of 4 stars; one submission).

Conditions:
Kabuki syndrome. Also called: NIIKAWA-KUROKI SYNDROME; Kabuki make-up syndrome. Identifiers: Orphanet 2322, MedGen C0796004, MONDO:0016512.

Submission:

Labcorp Genetics (formerly Invitae), Labcorp
Classification: Uncertain significance for Kabuki syndrome. Last evaluated: 2022-07-05. Review status: criteria provided, single submitter. Criteria: Invitae Variant Classification Sherloc (09022015). Collection method: clinical testing. Allele origin: germline.
Comment: In summary, the available evidence is currently insufficient to determine the role of this variant in disease. Therefore, it has been classified as a Variant of Uncertain Significance. Algorithms developed to predict the effect of sequence changes on RNA splicing suggest that this variant may disrupt the consensus splice site. ClinVar contains an entry for this variant (Variation ID: 1381963). This variant has not been reported in the literature in individuals affected with KMT2D-related conditions. This variant is not present in population databases (gnomAD no frequency). This sequence change falls in intron 19 of the KMT2D gene. It does not directly change the encoded amino acid sequence of the KMT2D protein.

NM_003482.4(KMT2D):c.4964-10C>G

Gene: KMT2D (lysine methyltransferase 2D; minus strand). Cytogenetic location: 12q13.12.
Variant type: single nucleotide variant.
Coding change: c.4964-10C>G on transcript NM_003482.4 (MANE Select); 10 bases into the intron before coding-DNA position 4964, C replaced by G.
Molecular consequence: intron variant.
Genome position (GRCh38, 1-based): chr12:49,044,532, G>C on the plus strand (C>G on the coding strand, the complement: KMT2D is on the minus strand). VCF-style: chr12-49044532-G-C. GRCh37 (hg19) VCF-style: chr12-49438315-G-C.
Identifiers: ClinVar variation 1381963 (VCV001381963.8), dbSNP rs1592143284, ClinGen allele CA2573148668.